The following is an entry in ClinVar:

NM_000890.5(KCNJ5):c.475G>C (p.Glu159Gln)

Gene: KCNJ5 (potassium inwardly rectifying channel subfamily J member 5; plus strand). Cytogenetic location: 11q24.3.
Variant type: single nucleotide variant.
Coding change: c.475G>C on transcript NM_000890.5 (MANE Select); coding-DNA position 475, G replaced by C.
Protein change: p.Glu159Gln; replaces glutamic acid 159 with glutamine.
Molecular consequence: missense variant.
Genome position (GRCh38, 1-based): chr11:128,911,748, G>C. VCF-style: chr11-128911748-G-C. GRCh37 (hg19) VCF-style: chr11-128781643-G-C.
Other names: c.475G>C, p.Glu159Gln (NM_001354169.2); short protein forms E159Q.
Identifiers: ClinVar variation 4858650 (VCV004858650.1).
Genomic context (GRCh38, chr11:128,911,748, plus strand): 5'-GCTTTCCTGTTCTCCATTGAGACCGAAACAACCATTGGGTATGGCTTCCGAGTCATCACA[G>C]AGAAGTGTCCAGAGGGGATTATACTCCTCTTGGTCCAGGCCATCCTGGGCTCCATCGTCA-3'
Protein context (NP_000881.3, residues 149-169): TIGYGFRVIT[Glu159Gln]KCPEGIILLL

ClinVar aggregate classification (germline): Uncertain significance (1 of 4 stars; one submission).

Conditions:
Cardiovascular phenotype. Identifiers: MedGen CN230736.

gnomAD v4.1: 4 of 1,614,190 alleles (0.00025%); highest among the groups gnomAD compares: Middle Eastern, 0.033%; no homozygotes.

Submission:

Ambry Genetics
Classification: Uncertain significance for Cardiovascular phenotype. Last evaluated: 2026-03-15. Review status: criteria provided, single submitter. Criteria: Ambry Variant Classification Scheme 2023. Collection method: clinical testing. Allele origin: germline.
Comment: The p.E159Q variant (also known as c.475G>C), located in coding exon 1 of the KCNJ5 gene, results from a G to C substitution at nucleotide position 475. The glutamic acid at codon 159 is replaced by glutamine, an amino acid with highly similar properties. This amino acid position is conserved. In addition, the in silico prediction for this alteration is inconclusive. Based on the available evidence, the clinical significance of this variant remains unclear.